The following is an entry in ClinVar:

NM_001286577.2(C2CD3):c.4016A>G (p.Tyr1339Cys)

Gene: C2CD3 (C2 domain containing 3 centriole elongation regulator; minus strand). Cytogenetic location: 11q13.4.
Variant type: single nucleotide variant.
Coding change: c.4016A>G on transcript NM_001286577.2 (MANE Select); coding-DNA position 4016, A replaced by G.
Protein change: p.Tyr1339Cys; replaces tyrosine 1339 with cysteine.
Molecular consequence: missense variant.
Genome position (GRCh38, 1-based): chr11:74,078,702, T>C on the plus strand (A>G on the coding strand, the complement: C2CD3 is on the minus strand). VCF-style: chr11-74078702-T-C. GRCh37 (hg19) VCF-style: chr11-73789747-T-C.
Other names: c.4016A>G, p.Tyr1339Cys (NM_015531.6); short protein forms Y1339C.
Identifiers: ClinVar variation 2016658 (VCV002016658.5), dbSNP rs1184333480, ClinGen allele CA381819029.

ClinVar aggregate classification (germline): Uncertain significance. Review status: criteria provided, multiple submitters, no conflicts (2 of 4 stars). 2 submissions from 2 submitters: Uncertain significance (2). Last evaluated 2024-11-04.

Conditions:
Inborn genetic diseases. Identifiers: MedGen C0950123, MeSH D030342.

Allele frequency attached by ClinVar (database versions not stated): gnomAD 0.00001; gnomAD exomes 0.00001; TOPMed 0.00001.
gnomAD v4.1: 23 of 1,602,924 alleles (0.0014%); highest among the groups gnomAD compares: Admixed American, 0.0035%; no homozygotes.

Submissions (2):

Labcorp Genetics (formerly Invitae), Labcorp
Classification: Uncertain significance. Last evaluated: 2024-11-04. Review status: criteria provided, single submitter. Criteria: Invitae Variant Classification Sherloc (09022015). Collection method: clinical testing. Allele origin: germline.
Comment: This sequence change replaces tyrosine, which is neutral and polar, with cysteine, which is neutral and slightly polar, at codon 1339 of the C2CD3 protein (p.Tyr1339Cys). This variant is present in population databases (no rsID available, gnomAD 0.003%). This variant has not been reported in the literature in individuals affected with C2CD3-related conditions. ClinVar contains an entry for this variant (Variation ID: 2016658). Invitae Evidence Modeling of protein sequence and biophysical properties (such as structural, functional, and spatial information, amino acid conservation, physicochemical variation, residue mobility, and thermodynamic stability) indicates that this missense variant is expected to disrupt C2CD3 protein function with a positive predictive value of 80%. In summary, the available evidence is currently insufficient to determine the role of this variant in disease. Therefore, it has been classified as a Variant of Uncertain Significance.

Ambry Genetics
Classification: Uncertain significance for Inborn genetic diseases. Last evaluated: 2021-03-25. Review status: criteria provided, single submitter. Criteria: Ambry Variant Classification Scheme 2023. Collection method: clinical testing. Allele origin: germline.
Comment: The c.4016A>G (p.Y1339C) alteration is located in exon 23 (coding exon 23) of the C2CD3 gene. This alteration results from a A to G substitution at nucleotide position 4016, causing the tyrosine (Y) at amino acid position 1339 to be replaced by a cysteine (C). The p.Y1339C alteration is predicted to be tolerated by in silico analysis. Based on insufficient or conflicting evidence, the clinical significance of this alteration remains unclear.